The following is an entry in ClinVar:

ClinVar aggregate classification (germline): Uncertain significance (1 of 4 stars; one submission).

Submission:

Labcorp Genetics (formerly Invitae), Labcorp
Classification: Uncertain significance. Last evaluated: 2021-04-09. Review status: criteria provided, single submitter. Criteria: Invitae Variant Classification Sherloc (09022015). Collection method: clinical testing. Allele origin: germline.
Comment: In summary, the available evidence is currently insufficient to determine the role of this variant in disease. Therefore, it has been classified as a Variant of Uncertain Significance. This sequence change replaces serine with isoleucine at codon 93 of the PSMB4 protein (p.Ser93Ile). The serine residue is moderately conserved and there is a large physicochemical difference between serine and isoleucine. This variant is not present in population databases (ExAC no frequency). This variant has not been reported in the literature in individuals with PSMB4-related conditions. Algorithms developed to predict the effect of missense changes on protein structure and function are either unavailable or do not agree on the potential impact of this missense change (SIFT: "Deleterious"; PolyPhen-2: "Benign"; Align-GVGD: "Class C0").

NM_002796.3(PSMB4):c.278G>T (p.Ser93Ile)

Gene: PSMB4 (proteasome 20S subunit beta 4; plus strand). Cytogenetic location: 1q21.3.
Variant type: single nucleotide variant.
Coding change: c.278G>T on transcript NM_002796.3 (MANE Select); coding-DNA position 278, G replaced by T.
Protein change: p.Ser93Ile; replaces serine 93 with isoleucine.
Molecular consequence: missense variant.
Genome position (GRCh38, 1-based): chr1:151,400,118, G>T. VCF-style: chr1-151400118-G-T. GRCh37 (hg19) VCF-style: chr1-151372594-G-T.
Other names: short protein forms S93I.
Identifiers: ClinVar variation 1420287 (VCV001420287.8), dbSNP rs2102121553, ClinGen allele CA341921518.
Genomic context (GRCh38, chr1:151,400,118, plus strand): 5'-GATCCTACGGCTCCTTGGCTCGTTTCCGCAACATCTCTCGCATTATGCGAGTCAACAACA[G>T]TACCATGCTGGGTGCCTCTGGCGACTACGCTGATTTCCAGTATTTGAAGCAAGTTCTCGG-3'
Protein context (NP_002787.2, residues 83-103): NISRIMRVNN[Ser93Ile]TMLGASGDYA